The following is an entry in ClinVar:

ClinVar aggregate classification (germline): Pathogenic (1 of 4 stars; one submission).

Submission:

GeneDx
Classification: Pathogenic. Last evaluated: 2017-05-22. Review status: criteria provided, single submitter. Criteria: GeneDx Variant Classification (06012015). Collection method: clinical testing. Allele origin: germline. Affected: yes.
Comment: The c.1923_1924dupCA variant in the TCOF1 gene causes a frameshift starting with codon Lysine 642, changes this amino acid to a Threonine residue and creates a premature Stop codon at position 70 of the new reading frame, denoted p.Lys642ThrfsX70. This variant is predicted to cause loss of normal protein function either through protein truncation or nonsense-mediated mRNA decay. Although this variant has not been previously reported to our knowledge, we consider it to be pathogenic.

NM_001371623.1(TCOF1):c.1923_1924dup (p.Lys642fs)

Gene: TCOF1 (treacle ribosome biogenesis factor 1; plus strand). Cytogenetic location: 5q32.
Variant type: Duplication.
Coding change: c.1923_1924dup on transcript NM_001371623.1 (MANE Select); coding-DNA positions 1923 to 1924, 2 bases duplicated (CA; older notation c.1923_1924dupCA).
Protein change: p.Lys642fs; shifts the reading frame from lysine 642.
Molecular consequence: frameshift variant.
Genome position (GRCh38, 1-based): chr5:150,376,111-150,376,112, CA duplicated. VCF-style (leftmost placement, unchanged base first): chr5-150376110-C-CCA. GRCh37 (hg19) VCF-style: chr5-149755673-C-CCA.
Other names: c.1692_1693dup, p.Lys565fs (NM_000356.4, NM_001135245.2); c.1923_1924dup, p.Lys642fs (NM_001008657.3, NM_001135243.2, NM_001135244.2 and 1 more transcripts); c.1923_1924dupCA (NM_001135243.1); short protein forms K565fs, K642fs.
Identifiers: ClinVar variation 432303 (VCV000432303.1), dbSNP rs1554137113, ClinGen allele CA645372806.